The following is an entry in ClinVar:

NM_001006630.2(CHRM2):c.-46-306G>T

Genes: CHRM2 (cholinergic receptor muscarinic 2; plus strand), LOC349160 (uncharacterized LOC349160; minus strand). Cytogenetic location: 7q33.
Variant type: single nucleotide variant.
Coding change: c.-46-306G>T on transcript NM_001006630.2 (MANE Select); 306 bases into the intron before 46 bases upstream of the start codon, G replaced by T.
Molecular consequence: intron variant.
Genome position (GRCh38, 1-based): chr7:137,014,514, G>T. VCF-style: chr7-137014514-G-T. GRCh37 (hg19) VCF-style: chr7-136699261-G-T.
Other names: NC_000007.13:g.136699261G>T; c.-46-306G>T (NM_001378972.1, NM_001006627.3, NM_001006626.3 and 6 more transcripts).
Identifiers: ClinVar variation 668978 (VCV000668978.2), dbSNP rs324651, ClinGen allele CA167698488.

ClinVar aggregate classification (germline): Benign (1 of 4 stars; one submission).

Allele frequency attached by ClinVar (database versions not stated): 1000 Genomes Project 0.11322; 1000 Genomes Project 30x 0.11477; TOPMed 0.13873; gnomAD 0.14224 and 0.14789.
gnomAD v4.1: 21,605 of 151,922 alleles (14%); highest among the groups gnomAD compares: African/African-American, 22%; 1,847 homozygotes.

Submissions (3):

GeneDx
Classification: Benign. Last evaluated: 2018-06-19. Review status: criteria provided, single submitter. Criteria: GeneDx Variant Classification (06012015). Collection method: clinical testing. Allele origin: germline. Affected: yes.
Comment: This variant is considered likely benign or benign based on one or more of the following criteria: it is a conservative change, it occurs at a poorly conserved position in the protein, it is predicted to be benign by multiple in silico algorithms, and/or has population frequency not consistent with disease.

Dr. Peter K. Rogan Lab, Western University
No classification provided (evidence only). Condition: Ovarian serous cystadenocarcinoma. Review status: no classification provided. Collection method: in vitro. Allele origin: not applicable. Functional consequence: retained intron. Not counted in ClinVar's aggregate classification.

Dr. Peter K. Rogan Lab, Western University
No classification provided (evidence only). Condition: Gastric cancer. Review status: no classification provided. Collection method: in vitro. Allele origin: not applicable. Functional consequence: retained intron. Not counted in ClinVar's aggregate classification.